The following is an entry in ClinVar:

NM_002047.4(GARS1):c.1420C>A (p.Arg474=)

Gene: GARS1 (glycyl-tRNA synthetase 1; plus strand). Cytogenetic location: 7p14.3.
Variant type: single nucleotide variant.
Coding change: c.1420C>A on transcript NM_002047.4 (MANE Select); coding-DNA position 1420, C replaced by A.
Protein change: p.Arg474=; no amino-acid change (arginine 474 retained).
Molecular consequence: synonymous variant.
Genome position (GRCh38, 1-based): chr7:30,621,453, C>A. VCF-style: chr7-30621453-C-A. GRCh37 (hg19) VCF-style: chr7-30661069-C-A.
Other names: c.1420C>A (LRG_243t1, NM_002047.3); c.1258C>A, p.Arg420= (NM_001316772.1).
Identifiers: ClinVar variation 360013 (VCV000360013.65), dbSNP rs113958280, ClinGen allele CA4205974.

ClinVar aggregate classification (germline): Benign/Likely benign. Review status: criteria provided, multiple submitters, no conflicts (2 of 4 stars). 12 submissions from 10 submitters: Benign (6); Likely benign (6). Last evaluated 2026-07-01.

Conditions:
Distal spinal muscular atrophy. Also called: Distal hereditary motor neuropathy; Distal hereditary motor neuronopathy. Identifiers: Orphanet 53739, MedGen C0393541, MONDO:0018894.
Charcot-Marie-Tooth disease type 2. Also called: Charcot-Marie-Tooth type 2. Identifiers: Orphanet 64746, MedGen C0270914, MONDO:0018993.
Charcot-Marie-Tooth disease type 2D (CMT2D). Also called: GARS1 Adolescent- or Early Adult-Onset Hereditary Motor/Sensory Neuropathy (GARS1-HMSN); CHARCOT-MARIE-TOOTH DISEASE, AXONAL, TYPE 2D; Charcot-Marie-Tooth Neuropathy Type 2D; CHARCOT-MARIE-TOOTH DISEASE, NEURONAL, TYPE 2D. Identifiers: Orphanet 99938, MedGen C1832274, MONDO:0011091, OMIM 601472.
GARS1-related disorder. Also called: GARS1-related condition.
Charcot-Marie-Tooth disease. Also called: Charcot-Marie-Tooth Neuropathy; Charcot-Marie-Tooth Hereditary Neuropathy. Identifiers: Orphanet 166, MedGen C0007959, MONDO:0015626.
Neuronopathy, distal hereditary motor, type 5A (HMND5). Also called: DHMN VA; Distal Spinal Muscular Atrophy V (dSMA-V); NEURONOPATHY, DISTAL HEREDITARY MOTOR, AUTOSOMAL DOMINANT 5; Distal Spinal Muscular Atrophy V. Identifiers: Orphanet 139536, MedGen CN031873, MONDO:0015353, OMIM 600794.

Allele frequency attached by ClinVar (database versions not stated): gnomAD exomes 0.00037; ExAC 0.00051; ESP Exome Variant Server 0.00199; TOPMed 0.00201; gnomAD 0.00202 and 0.00210; 1000 Genomes Project 30x 0.00219; 1000 Genomes Project 0.00240.
gnomAD v4.1: 575 of 1,614,092 alleles (0.036%); highest among the groups gnomAD compares: African/African-American, 0.66%; 4 homozygotes.

Submissions (12):

CeGaT Center for Human Genetics Tuebingen
Classification: Likely benign. Last evaluated: 2026-07-01. Review status: criteria provided, single submitter. Criteria: CeGaT Center For Human Genetics Tuebingen Variant Classification Criteria Version 2. Collection method: clinical testing. Allele origin: germline. Affected: yes. Observed: 2 variant alleles.
Comment: GARS1: BP4, BP7, BS1

PreventionGenetics, part of Exact Sciences
Classification: Benign for GARS1-related condition. Last evaluated: 2026-02-02. Review status: criteria provided, single submitter. Criteria: ACMG Guidelines, 2015. Collection method: clinical testing. Allele origin: germline.
Comment: This variant is classified as benign based on ACMG/AMP sequence variant interpretation guidelines (Richards et al. 2015 PMID: 25741868, with internal and published modifications).

Labcorp Genetics (formerly Invitae), Labcorp
Classification: Benign for Charcot-Marie-Tooth disease type 2. Last evaluated: 2026-01-26. Review status: criteria provided, single submitter. Criteria: Invitae Variant Classification Sherloc (09022015). Collection method: clinical testing. Allele origin: germline.

Blueprint Genetics
Classification: Likely benign. Last evaluated: 2024-11-13. Review status: criteria provided, single submitter. Criteria: ACMG Guidelines, 2015. Collection method: clinical testing. Allele origin: germline.

Athena Diagnostics
Classification: Benign. Last evaluated: 2024-05-07. Review status: criteria provided, single submitter. Criteria: Athena Diagnostics Criteria. Collection method: clinical testing. Allele origin: unknown.

GeneDx
Classification: Likely benign. Last evaluated: 2020-02-06. Review status: criteria provided, single submitter. Criteria: GeneDx Variant Classification Process June 2021. Collection method: clinical testing. Allele origin: germline. Affected: yes.

Ambry Genetics
Classification: Likely benign. Last evaluated: 2019-07-11. Review status: criteria provided, single submitter. Criteria: Ambry Variant Classification Scheme 2023. Collection method: clinical testing. Allele origin: germline.

ARUP Laboratories, Molecular Genetics and Genomics, ARUP Laboratories
Classification: Likely benign. Last evaluated: 2019-03-11. Review status: criteria provided, single submitter. Criteria: ARUP Molecular Germline Variant Investigation Process. Collection method: clinical testing. Allele origin: germline.

Illumina Laboratory Services, Illumina
Classification: Benign for Charcot-Marie-Tooth disease type 2D. Last evaluated: 2018-01-13. Review status: criteria provided, single submitter. Criteria: ICSL Variant Classification Criteria 13 December 2019. Collection method: clinical testing. Allele origin: germline.
Comment: This variant was observed in the ICSL laboratory as part of a predisposition screen in an ostensibly healthy population. It had not been previously curated by ICSL or reported in the Human Gene Mutation Database (HGMD: prior to June 1st, 2018), and was therefore a candidate for classification through an automated scoring system. Utilizing variant allele frequency, disease prevalence and penetrance estimates, and inheritance mode, an automated score was calculated to assess if this variant is too frequent to cause the disease. Based on the score and internal cut-off values, a variant classified as benign is not then subjected to further curation. The score for this variant resulted in a classification of benign for this disease.

Illumina Laboratory Services, Illumina
Classification: Benign for Distal hereditary motor neuronopathy type 5. Last evaluated: 2018-01-13. Review status: criteria provided, single submitter. Criteria: ICSL Variant Classification Criteria 13 December 2019. Collection method: clinical testing. Allele origin: germline.
Comment: the same text as in the submission from Illumina Laboratory Services, Illumina above.

Illumina Laboratory Services, Illumina
Classification: Benign for Distal Spinal Muscular Atrophy. Last evaluated: 2018-01-13. Review status: criteria provided, single submitter. Criteria: ICSL Variant Classification Criteria 13 December 2019. Collection method: clinical testing. Allele origin: germline.
Comment: the same text as in the submission from Illumina Laboratory Services, Illumina above.

Molecular Genetics Laboratory, London Health Sciences Centre
Classification: Likely benign for Charcot-Marie-Tooth disease. Review status: criteria provided, single submitter. Criteria: ACMG Guidelines, 2015. Collection method: clinical testing. Allele origin: germline. Affected: yes.

Literature cited by the submitters: PubMed 25614874 (cited by Athena Diagnostics).